The following is an entry in ClinVar:

ClinVar aggregate classification (germline): Uncertain significance (1 of 4 stars; one submission).

Allele frequency attached by ClinVar (database versions not stated): gnomAD exomes below 0.00001; ExAC 0.00001; gnomAD 0.00001; TOPMed 0.00003.
gnomAD v4.1: 4 of 1,613,998 alleles (0.00025%); highest among the groups gnomAD compares: African/African-American, 0.0053%; no homozygotes.

Submission:

Labcorp Genetics (formerly Invitae), Labcorp
Classification: Uncertain significance. Last evaluated: 2021-11-16. Review status: criteria provided, single submitter. Criteria: Invitae Variant Classification Sherloc (09022015). Collection method: clinical testing. Allele origin: germline.
Comment: In summary, the available evidence is currently insufficient to determine the role of this variant in disease. Therefore, it has been classified as a Variant of Uncertain Significance. Algorithms developed to predict the effect of missense changes on protein structure and function are either unavailable or do not agree on the potential impact of this missense change (SIFT: "Not Available"; PolyPhen-2: "Possibly Damaging"; Align-GVGD: "Not Available"). This variant has not been reported in the literature in individuals affected with GNMT-related conditions. This variant is present in population databases (rs757976871, gnomAD 0.007%). This sequence change replaces isoleucine, which is neutral and non-polar, with leucine, which is neutral and non-polar, at codon 288 of the GNMT protein (p.Ile288Leu).

NM_018960.6(GNMT):c.862A>C (p.Ile288Leu)

Genes: CNPY3-GNMT (CNPY3-GNMT readthrough; plus strand), GNMT (glycine N-methyltransferase; plus strand). Cytogenetic location: 6p21.1.
Variant type: single nucleotide variant.
Coding change: c.862A>C on transcript NM_018960.6 (MANE Select); coding-DNA position 862, A replaced by C.
Protein change: p.Ile288Leu; replaces isoleucine 288 with leucine.
Molecular consequence: missense variant. On other transcripts: non-coding transcript variant (4).
Genome position (GRCh38, 1-based): chr6:42,963,680, A>C. VCF-style: chr6-42963680-A-C. GRCh37 (hg19) VCF-style: chr6-42931418-A-C.
Other names: c.664A>C, p.Ile222Leu (NM_001318856.2); c.679A>C, p.Ile227Leu (NM_001318857.2); c.571A>C, p.Ile191Leu (NM_001318858.2); c.805A>C, p.Ile269Leu (NM_001318865.2); short protein forms I191L, I222L, I269L, I227L, I288L.
Identifiers: ClinVar variation 1437523 (VCV001437523.6), dbSNP rs757976871, ClinGen allele CA3810826.